The following is an entry in ClinVar:

ClinVar aggregate classification (germline): Uncertain significance (1 of 4 stars; one submission).

Conditions:
Inborn genetic diseases. Identifiers: MedGen C0950123, MeSH D030342.

Submission:

Ambry Genetics
Classification: Uncertain significance for Inborn genetic diseases. Last evaluated: 2022-05-25. Review status: criteria provided, single submitter. Criteria: Ambry Variant Classification Scheme 2023. Collection method: clinical testing. Allele origin: germline.
Comment: The p.D229N variant (also known as c.685G>A), located in coding exon 5 of the ACD gene, results from a G to A substitution at nucleotide position 685. The aspartic acid at codon 229 is replaced by asparagine, an amino acid with highly similar properties. This amino acid position is conserved. In addition, this alteration is predicted to be tolerated by in silico analysis. Since supporting evidence is limited at this time, the clinical significance of this alteration remains unclear.

NM_001082486.2(ACD):c.427G>A (p.Asp143Asn)

Gene: ACD (ACD shelterin complex subunit and telomerase recruitment factor; minus strand). Cytogenetic location: 16q22.1.
Variant type: single nucleotide variant.
Coding change: c.427G>A on transcript NM_001082486.2 (MANE Select); coding-DNA position 427, G replaced by A.
Protein change: p.Asp143Asn; replaces aspartic acid 143 with asparagine.
Molecular consequence: missense variant.
Genome position (GRCh38, 1-based): chr16:67,659,406, C>T on the plus strand (G>A on the coding strand, the complement: ACD is on the minus strand). VCF-style: chr16-67659406-C-T. GRCh37 (hg19) VCF-style: chr16-67693309-C-T.
Other names: c.427G>A, p.Asp143Asn (NM_001410884.1); c.418G>A, p.Asp140Asn (NM_022914.3); short protein forms D143N, D140N.
Identifiers: ClinVar variation 1755835 (VCV001755835.2), dbSNP rs1257437432, ClinGen allele CA396354932.